The following is an entry in ClinVar:

NM_012418.4(FSCN2):c.508G>A (p.Gly170Ser)

Gene: FSCN2 (fascin actin-bundling protein 2, retinal; plus strand). Cytogenetic location: 17q25.3.
Variant type: single nucleotide variant.
Coding change: c.508G>A on transcript NM_012418.4 (MANE Select); coding-DNA position 508, G replaced by A.
Protein change: p.Gly170Ser; replaces glycine 170 with serine.
Molecular consequence: missense variant.
Genome position (GRCh38, 1-based): chr17:81,529,039, G>A. VCF-style: chr17-81529039-G-A. GRCh37 (hg19) VCF-style: chr17-79496065-G-A.
Other names: c.508G>A, p.Gly170Ser (NM_001077182.3); short protein forms G170S.
Identifiers: ClinVar variation 3662043 (VCV003662043.2).

ClinVar aggregate classification (germline): Uncertain significance (1 of 4 stars; one submission).

Submission:

Labcorp Genetics (formerly Invitae), Labcorp
Classification: Uncertain significance. Last evaluated: 2024-08-11. Review status: criteria provided, single submitter. Criteria: Invitae Variant Classification Sherloc (09022015). Collection method: clinical testing. Allele origin: germline.
Comment: This sequence change replaces glycine, which is neutral and non-polar, with serine, which is neutral and polar, at codon 170 of the FSCN2 protein (p.Gly170Ser). This variant is not present in population databases (gnomAD no frequency). This variant has not been reported in the literature in individuals affected with FSCN2-related conditions. An algorithm developed to predict the effect of missense changes on protein structure and function (PolyPhen-2) suggests that this variant is likely to be disruptive. In summary, the available evidence is currently insufficient to determine the role of this variant in disease. Therefore, it has been classified as a Variant of Uncertain Significance.